The following is an entry in ClinVar:

NM_001081.4(CUBN):c.181A>T (p.Ile61Phe)

Gene: CUBN (cubilin; minus strand). Cytogenetic location: 10p13.
Variant type: single nucleotide variant.
Coding change: c.181A>T on transcript NM_001081.4 (MANE Select); coding-DNA position 181, A replaced by T.
Protein change: p.Ile61Phe; replaces isoleucine 61 with phenylalanine.
Molecular consequence: missense variant.
Genome position (GRCh38, 1-based): chr10:17,129,192, T>A on the plus strand (A>T on the coding strand, the complement: CUBN is on the minus strand). VCF-style: chr10-17129192-T-A. GRCh37 (hg19) VCF-style: chr10-17171191-T-A.
Other names: short protein forms I61F.
Identifiers: ClinVar variation 2862141 (VCV002862141.3), dbSNP rs1837264705, ClinGen allele CA376169756.

ClinVar aggregate classification (germline): Uncertain significance (1 of 4 stars; one submission).

Conditions:
Imerslund-Grasbeck syndrome. Also called: Megaloblastic anemia due to inborn errors of metabolism; PERNICIOUS ANEMIA, JUVENILE, DUE TO SELECTIVE INTESTINAL MALABSORPTION OF VITAMIN B12, WITH PROTEINURIA; ENTEROCYTE COBALAMIN MALABSORPTION; ENTEROCYTE INTRINSIC FACTOR RECEPTOR, DEFECT OF; Imerslund-Gräsbeck syndrome. Identifiers: Orphanet 35858, MedGen C4551825, MONDO:0009853.

Submission:

Labcorp Genetics (formerly Invitae), Labcorp
Classification: Uncertain significance for Imerslund-Grasbeck syndrome. Last evaluated: 2023-05-05. Review status: criteria provided, single submitter. Criteria: Invitae Variant Classification Sherloc (09022015). Collection method: clinical testing. Allele origin: germline.
Comment: In summary, the available evidence is currently insufficient to determine the role of this variant in disease. Therefore, it has been classified as a Variant of Uncertain Significance. Advanced modeling of protein sequence and biophysical properties (such as structural, functional, and spatial information, amino acid conservation, physicochemical variation, residue mobility, and thermodynamic stability) performed at Invitae indicates that this missense variant is expected to disrupt CUBN protein function. This variant has not been reported in the literature in individuals affected with CUBN-related conditions. This variant is not present in population databases (gnomAD no frequency). This sequence change replaces isoleucine, which is neutral and non-polar, with phenylalanine, which is neutral and non-polar, at codon 61 of the CUBN protein (p.Ile61Phe).